The following is an entry in ClinVar:

NM_001035.3(RYR2):c.530T>G (p.Val177Gly)

Gene: RYR2 (ryanodine receptor 2; plus strand). Cytogenetic location: 1q43.
Variant type: single nucleotide variant.
Coding change: c.530T>G on transcript NM_001035.3 (MANE Select); coding-DNA position 530, T replaced by G.
Protein change: p.Val177Gly; replaces valine 177 with glycine.
Molecular consequence: missense variant.
Genome position (GRCh38, 1-based): chr1:237,377,389, T>G. VCF-style: chr1-237377389-T-G. GRCh37 (hg19) VCF-style: chr1-237540689-T-G.
Other names: short protein forms V177G.
Identifiers: ClinVar variation 2892177 (VCV002892177.3), dbSNP rs1412627102, ClinGen allele CA345375638.
Genomic context (GRCh38, chr1:237,377,389, plus strand): 5'-CTTGTTGGTGGACCATACACCCTGCCTCTAAGCAGCGATCAGAAGGAGAAAAAGTACGAG[T>G]TGGAGATGACCTCATCTTAGTTAGCGTGTCCTCTGAAAGGTACTTGGTAAGTGTGGAAAG-3'
Protein context (NP_001026.2, residues 167-187): KQRSEGEKVR[Val177Gly]GDDLILVSVS

ClinVar aggregate classification (germline): Uncertain significance (1 of 4 stars; one submission).

Conditions:
Catecholaminergic polymorphic ventricular tachycardia 1. Also called: RYR2-Related Catecholaminergic Polymorphic Ventricular Tachycardia; VENTRICULAR TACHYCARDIA, CATECHOLAMINERGIC POLYMORPHIC, 1, WITH OR WITHOUT ATRIAL DYSFUNCTION AND/OR DILATED CARDIOMYOPATHY; VENTRICULAR TACHYCARDIA, STRESS-INDUCED POLYMORPHIC 1. Identifiers: Orphanet 3286, MedGen C1631597, MONDO:0011484, OMIM 604772.

Allele frequency attached by ClinVar (database versions not stated): TOPMed 0.00001.

Submission:

Labcorp Genetics (formerly Invitae), Labcorp
Classification: Uncertain significance for Catecholaminergic polymorphic ventricular tachycardia 1. Last evaluated: 2022-11-12. Review status: criteria provided, single submitter. Criteria: Invitae Variant Classification Sherloc (09022015). Collection method: clinical testing. Allele origin: germline.
Comment: In summary, the available evidence is currently insufficient to determine the role of this variant in disease. Therefore, it has been classified as a Variant of Uncertain Significance. Advanced modeling of protein sequence and biophysical properties (such as structural, functional, and spatial information, amino acid conservation, physicochemical variation, residue mobility, and thermodynamic stability) performed at Invitae indicates that this missense variant is expected to disrupt RYR2 protein function. This variant has not been reported in the literature in individuals affected with RYR2-related conditions. This variant is present in population databases (no rsID available, gnomAD 0.01%). This sequence change replaces valine, which is neutral and non-polar, with glycine, which is neutral and non-polar, at codon 177 of the RYR2 protein (p.Val177Gly).